The following is an entry in ClinVar:

ClinVar aggregate classification (germline): Uncertain significance (1 of 4 stars; one submission).

gnomAD v4.1: 6 of 840,620 alleles (0.00071%); highest among the groups gnomAD compares: Middle Eastern, 0.075%; no homozygotes.

Submission:

Labcorp Genetics (formerly Invitae), Labcorp
Classification: Uncertain significance. Last evaluated: 2024-09-05. Review status: criteria provided, single submitter. Criteria: Invitae Variant Classification Sherloc (09022015). Collection method: clinical testing. Allele origin: germline.
Comment: This sequence change replaces alanine, which is neutral and non-polar, with valine, which is neutral and non-polar, at codon 2252 of the KMT2B protein (p.Ala2252Val). This variant is not present in population databases (gnomAD no frequency). This variant has not been reported in the literature in individuals affected with KMT2B-related conditions. Invitae Evidence Modeling of protein sequence and biophysical properties (such as structural, functional, and spatial information, amino acid conservation, physicochemical variation, residue mobility, and thermodynamic stability) indicates that this missense variant is not expected to disrupt KMT2B protein function with a negative predictive value of 95%. In summary, the available evidence is currently insufficient to determine the role of this variant in disease. Therefore, it has been classified as a Variant of Uncertain Significance.

NM_014727.3(KMT2B):c.6755C>T (p.Ala2252Val)

Gene: KMT2B (lysine methyltransferase 2B; plus strand). Cytogenetic location: 19q13.12.
Variant type: single nucleotide variant.
Coding change: c.6755C>T on transcript NM_014727.3 (MANE Select); coding-DNA position 6755, C replaced by T.
Protein change: p.Ala2252Val; replaces alanine 2252 with valine.
Molecular consequence: missense variant.
Genome position (GRCh38, 1-based): chr19:35,733,304, C>T. VCF-style: chr19-35733304-C-T. GRCh37 (hg19) VCF-style: chr19-36224205-C-T.
Other names: short protein forms A2252V.
Identifiers: ClinVar variation 3665209 (VCV003665209.2).
Genomic context (GRCh38, chr19:35,733,304, plus strand): 5'-GGACTCTGCCCCCAGGCCCCCTCCTCGGCGTGCTGCCCGTGGTCGGAGTGGTCCGCCCTG[C>T]CCCGCCCCCGCCACCCCCTCCCCTGACGCTGGTGCTGAGCAGTGGGCCAGCCAGCCCGCC-3'
Protein context (NP_055542.1, residues 2242-2262): VLPVVGVVRP[Ala2252Val]PPPPPPPLTL